The following is an entry in ClinVar:

ClinVar aggregate classification (germline): Uncertain significance (1 of 4 stars; one submission).

Conditions:
Tuberous sclerosis 2 (TSC2). Identifiers: Orphanet 805, MedGen C1860707, MONDO:0013199, OMIM 613254.

Submission:

Labcorp Genetics (formerly Invitae), Labcorp
Classification: Uncertain significance for Tuberous sclerosis 2. Last evaluated: 2025-12-24. Review status: criteria provided, single submitter. Criteria: Invitae Variant Classification Sherloc (09022015). Collection method: clinical testing. Allele origin: germline.
Comment: This sequence change falls in intron 21 of the TSC2 gene. It does not directly change the encoded amino acid sequence of the TSC2 protein. It affects a nucleotide within the consensus splice site. This variant is not present in population databases (gnomAD no frequency). This variant has not been reported in the literature in individuals affected with TSC2-related conditions. ClinVar contains an entry for this variant (Variation ID: 2165235). Variants that disrupt the consensus splice site are a relatively common cause of aberrant splicing (PMID: 17576681, 9536098). Algorithms developed to predict the effect of sequence changes on RNA splicing suggest that this variant is not likely to affect RNA splicing. In summary, the available evidence is currently insufficient to determine the role of this variant in disease. Therefore, it has been classified as a Variant of Uncertain Significance.

Literature cited by the submitters: PubMed 17576681; PubMed 9536098.

NM_000548.5(TSC2):c.2355+6A>G

Gene: TSC2 (TSC complex subunit 2; plus strand). Cytogenetic location: 16p13.3.
Variant type: single nucleotide variant.
Coding change: c.2355+6A>G on transcript NM_000548.5 (MANE Select); 6 bases into the intron after coding-DNA position 2355, A replaced by G.
Molecular consequence: intron variant.
Genome position (GRCh38, 1-based): chr16:2,072,989, A>G. VCF-style: chr16-2072989-A-G. GRCh37 (hg19) VCF-style: chr16-2122990-A-G.
Other names: c.2355+6A>G (NM_001114382.3, NM_021055.3, NM_001370405.1 and 3 more transcripts); c.2244+6A>G (NM_001318827.2); c.1755+6A>G (NM_001318831.2); c.2208+6A>G (NM_001318829.2); c.2388+6A>G (NM_001318832.2).
Identifiers: ClinVar variation 2165235 (VCV002165235.2), dbSNP rs904030973, ClinGen allele CA2580090827.